The following is an entry in ClinVar:

ClinVar aggregate classification (germline): Conflicting classifications of pathogenicity. Review status: criteria provided, conflicting classifications (1 of 4 stars). 2 submissions from 2 submitters: Likely pathogenic (1); Uncertain significance (1). Last evaluated 2025-03-04.

Conditions:
Nemaline myopathy. Also called: Myopathies, Nemaline. Identifiers: Orphanet 607, MedGen C0206157, MONDO:0018958.
Nemaline myopathy 2 (NEM2). Also called: Nemaline myopathy 2, autosomal recessive. Identifiers: MedGen C1850569, MONDO:0009725, OMIM 256030.

gnomAD v4.1: 1 of 1,613,166 alleles (0.000062%); highest among the groups gnomAD compares: Non-Finnish European, 0.000085%; no homozygotes.

Submissions (2):

Broad Center for Mendelian Genomics, Broad Institute of MIT and Harvard
Classification: Uncertain significance for Nemaline myopathy. Last evaluated: 2025-03-04. Review status: criteria provided, single submitter. Criteria: ACMG Guidelines, 2015. Collection method: curation. Allele origin: germline. Inheritance: Autosomal recessive inheritance.
Comment: The c.20262+2T>G variant in NEB has not been previously reported in individuals with nemaline myopathy, but has been identified in 0.00009% (1/1179396) of European (non-Finnish) chromosomes by the Genome Aggregation Database (gnomAD; dbSNP ID: rs2153617573). Although this variant has been seen in the general population in a heterozygous state, its frequency is low enough to be consistent with a recessive carrier frequency. This variant has also been reported in ClinVar (Variation ID: 1066514) and has been interpreted as likely pathogenic by Invitae. This variant is located in the 5' splice region. There is an in-frame cryptic splice site 9 bases from the intron-exon boundary, providing evidence that this variant may delete 3 amino acids instead of causing loss of function. This variant is also adjacent to an in-frame exon and is more likely to escape nonsense mediated decay (NMD) and result in a truncated protein. However, this information is not predictive enough to determine pathogenicity. In-frame exon skipping of the NEB gene is an established disease mechanism in autosomal recessive nemaline myopathy. In summary, the clinical significance of the c.20262+2T>G variant is uncertain. ACMG/AMP Criteria applied: PVS1_strong, PM2_supporting (Richards 2015).

Labcorp Genetics (formerly Invitae), Labcorp
Classification: Likely pathogenic for Nemaline myopathy 2. Last evaluated: 2021-08-29. Review status: criteria provided, single submitter. Criteria: Invitae Variant Classification Sherloc (09022015). Collection method: clinical testing. Allele origin: germline.
Comment: This sequence change affects a donor splice site in intron 132 of the NEB gene. It is expected to disrupt RNA splicing and likely results in an absent or disrupted protein product. This variant is not present in population databases (ExAC no frequency). This variant has not been reported in the literature in individuals with NEB-related conditions. Algorithms developed to predict the effect of sequence changes on RNA splicing suggest that this variant may disrupt the consensus splice site, but this prediction has not been confirmed by published transcriptional studies. Donor and acceptor splice site variants typically lead to a loss of protein function (PMID: 16199547), and loss-of-function variants in NEB are known to be pathogenic (PMID: 25205138). In summary, the currently available evidence indicates that the variant is pathogenic, but additional data are needed to prove that conclusively. Therefore, this variant has been classified as Likely Pathogenic.

Literature cited by the submitters: PubMed 16199547 (cited by Labcorp Genetics (formerly Invitae), Labcorp); PubMed 25205138 (cited by Labcorp Genetics (formerly Invitae), Labcorp).

NM_001164508.2(NEB):c.20262+2T>G

Gene: NEB (nebulin; minus strand). Cytogenetic location: 2q23.3.
Variant type: single nucleotide variant.
Coding change: c.20262+2T>G on transcript NM_001164508.2 (MANE Select); the canonical splice donor site of the intron after coding-DNA position 20262, T replaced by G.
Molecular consequence: splice donor variant.
Genome position (GRCh38, 1-based): chr2:151,547,632, A>C on the plus strand (T>G on the coding strand, the complement: NEB is on the minus strand). VCF-style: chr2-151547632-A-C. GRCh37 (hg19) VCF-style: chr2-152404146-A-C.
Other names: c.15159+2T>G (NM_004543.5); c.20262+2T>G (NM_001164507.2, NM_001271208.2).
Identifiers: ClinVar variation 1066514 (VCV001066514.9), dbSNP rs2153617573, ClinGen allele CA348783506.